The following is an entry in ClinVar:

NC_000001.10:g.(?_12057334)_(12059172_?)del

Gene: MFN2 (mitofusin 2; plus strand). Cytogenetic location: 1p36.22.
Variant type: Deletion.
Identifiers: ClinVar variation 476725 (VCV000476725.1).

ClinVar aggregate classification (germline): Likely pathogenic (1 of 4 stars; one submission).

Conditions:
Charcot-Marie-Tooth disease type 2. Also called: Charcot-Marie-Tooth type 2. Identifiers: Orphanet 64746, MedGen C0270914, MONDO:0018993.

Submission:

Labcorp Genetics (formerly Invitae), Labcorp
Classification: Likely pathogenic for Charcot-Marie-Tooth disease type 2. Last evaluated: 2017-12-20. Review status: criteria provided, single submitter. Criteria: Invitae Variant Classification Sherloc (09022015). Collection method: clinical testing. Allele origin: germline.
Comment: This variant is an in-frame deletion of the genomic region encompassing exons 6-8 of the MFN2 gene. It preserves the integrity of the reading frame. Deletion of exons 6-8 has not been reported in the literature in individuals with MFN2-related disease. Missense substitutions within exons 6-8 (p.Phe216Ser, p.Thr236Met, p.Phe240Leu) have been determined to be pathogenic or likely pathogenic (PMID: 18957892, 21715711, 23147504, 15549395, 25403865, Invitae). This suggests that these residues are critical for MFN2 protein function. In summary, the currently available evidence indicates that the variant is pathogenic, but additional data are needed to prove that conclusively. Therefore, this variant has been classified as Likely Pathogenic.

Literature cited by the submitters: PubMed 18957892; PubMed 25403865; PubMed 21715711; PubMed 23147504; PubMed 15549395.